The following is an entry in ClinVar:

ClinVar aggregate classification (germline): Conflicting classifications of pathogenicity. Review status: criteria provided, conflicting classifications (1 of 4 stars). 4 submissions from 4 submitters: Pathogenic (1); Uncertain significance (1). 2 of the submissions do not count toward it. Last evaluated 2024-09-27.

Conditions:
Malignant hyperthermia, susceptibility to, 1 (MHS1). Also called: Anesthesia related hyperthermia; Malignant hyperpyrexia; Fulminating hyperpyrexia; Pharmacogenic myopathy; RYR1-Related Malignant Hyperthermia Susceptibility; Malignant hyperthermia suceptibility 1. Identifiers: Orphanet 423, MedGen C2930980, MONDO:0007783, OMIM 145600.
RYR1-related disorder. Also called: RYR1-related disorders; RYR1-related condition. Identifiers: MedGen CN239331.
Central core myopathy (CMYO1A). Also called: CONGENITAL MYOPATHY 1A, AUTOSOMAL DOMINANT, WITH SUSCEPTIBILITY TO MALIGNANT HYPERTHERMIA; Central core disease; Myopathy, central fibrillar. Identifiers: Orphanet 597, MedGen C5830701, MONDO:0007294, OMIM 117000.

Submissions (4):

Labcorp Genetics (formerly Invitae), Labcorp
Classification: Pathogenic for RYR1-related disorder. Last evaluated: 2024-09-27. Review status: criteria provided, single submitter. Criteria: Invitae Variant Classification Sherloc (09022015). Collection method: clinical testing. Allele origin: germline.
Comment: This sequence change replaces glycine, which is neutral and non-polar, with serine, which is neutral and polar, at codon 4638 of the RYR1 protein (p.Gly4638Ser). This variant is not present in population databases (gnomAD no frequency). This missense change has been observed in individuals with congenital myopathy and central core disease (PMID: 16621918, 23394784; internal data). ClinVar contains an entry for this variant (Variation ID: 65943). Invitae Evidence Modeling of protein sequence and biophysical properties (such as structural, functional, and spatial information, amino acid conservation, physicochemical variation, residue mobility, and thermodynamic stability) indicates that this missense variant is expected to disrupt RYR1 protein function with a positive predictive value of 95%. This variant disrupts the p.Gly4638 amino acid residue in RYR1. Other variant(s) that disrupt this residue have been determined to be pathogenic (PMID: 12565913, 14985404, 16917943, 23553787). This suggests that this residue is clinically significant, and that variants that disrupt this residue are likely to be disease-causing. For these reasons, this variant has been classified as Pathogenic.

All of Us Research Program, National Institutes of Health
Classification: Uncertain significance for Malignant hyperthermia, susceptibility to, 1. Last evaluated: 2024-09-25. Review status: criteria provided, single submitter. Criteria: ACMG Guidelines, 2015. Collection method: clinical testing. Allele origin: germline. Inheritance: Autosomal dominant inheritance. Observed: 1 variant allele, 1 heterozygote.
Comment: This study involves interpretation of variants in research participants for the purpose of population health screening. Participant phenotype was not available at the time of variant classification. Additional details can be found in publication PMID: 35346344, PMCID: PMC8962531

GeneReviews
Classification: Pathogenic for Central Core Disease. Last evaluated: 2010-05-11. Review status: no assertion criteria provided. Collection method: curation. Allele origin: unknown. Not counted in ClinVar's aggregate classification.
ClinVar note: Converted during submission from pathologic to Pathogenic.

RYR1 database
No classification provided. Review status: no classification provided. Collection method: not provided. Allele origin: unknown. Not counted in ClinVar's aggregate classification.

Literature cited by the submitters: PubMed 16621918 (cited by Labcorp Genetics (formerly Invitae), Labcorp); PubMed 23394784 (cited by Labcorp Genetics (formerly Invitae), Labcorp); PubMed 12565913 (cited by Labcorp Genetics (formerly Invitae), Labcorp); PubMed 14985404 (cited by Labcorp Genetics (formerly Invitae), Labcorp); PubMed 16917943 (cited by Labcorp Genetics (formerly Invitae), Labcorp); PubMed 23553787 (cited by Labcorp Genetics (formerly Invitae), Labcorp).

NM_000540.3(RYR1):c.13912G>A (p.Gly4638Ser)

Gene: RYR1 (ryanodine receptor 1; plus strand). Cytogenetic location: 19q13.2.
Variant type: single nucleotide variant.
Coding change: c.13912G>A on transcript NM_000540.3 (MANE Select); coding-DNA position 13912, G replaced by A.
Protein change: p.Gly4638Ser; replaces glycine 4638 with serine.
Molecular consequence: missense variant.
Genome position (GRCh38, 1-based): chr19:38,572,184, G>A. VCF-style: chr19-38572184-G-A. GRCh37 (hg19) VCF-style: chr19-39062824-G-A.
Other names: c.13897G>A, p.Gly4633Ser (NM_001042723.2); short protein forms G4638S, G4633S.
Identifiers: ClinVar variation 65943 (VCV000065943.10), dbSNP rs118192136, ClinGen allele CA024082.